The following is an entry in ClinVar:

NM_025136.4(OPA3):c.*4949G>A

Genes: OPA3-RTN2 (OPA3-RTN2 readthrough; minus strand), OPA3 (outer mitochondrial membrane lipid metabolism regulator OPA3; minus strand). Cytogenetic location: 19q13.32.
Variant type: single nucleotide variant.
Coding change: c.*4949G>A on transcript NM_025136.4 (MANE Select); 4949 bases downstream of the stop codon, G replaced by A.
Molecular consequence: 3 prime UTR variant. On other transcripts: intron variant (1).
Genome position (GRCh38, 1-based): chr19:45,548,565, C>T on the plus strand (G>A on the coding strand, the complement: OPA3 is on the minus strand). VCF-style: chr19-45548565-C-T. GRCh37 (hg19) VCF-style: chr19-46051823-C-T.
Other names: c.143-19109G>A (NM_001017989.3).
Identifiers: ClinVar variation 329591 (VCV000329591.5), dbSNP rs544881797, ClinGen allele CA10642980.
Genomic context (GRCh38, chr19:45,548,565, plus strand): 5'-GGGTGGGGCAGGGAACACTGGAAAAGAAATGTACGTGTGAGCATCTGTAAGACCCGGTGA[C>T]GGCAGGGCTGGGGCTGTCTCTGTCACCACTGTGACCCCAGCATAGGGTGGGGCAGAGAGT-3'

ClinVar aggregate classification (germline): Conflicting classifications of pathogenicity. Review status: criteria provided, conflicting classifications (1 of 4 stars). 2 submissions from 1 submitter: Uncertain significance (1); Benign (1). Last evaluated 2018-01-13.

Conditions:
Optic atrophy 3 (OPA3). Also called: OPTIC ATROPHY 3, AUTOSOMAL DOMINANT; Optic atrophy, cataract, and neurologic disorder; Optic atrophy 3 with cataract. Identifiers: Orphanet 67036, MedGen C1833809, MONDO:0008133, OMIM 165300.
3-Methylglutaconic aciduria type 3 (MGCA3). Also called: OPA3, AUTOSOMAL RECESSIVE; OPTIC ATROPHY 3, AUTOSOMAL RECESSIVE; Costeff Syndrome; OPA3-Related 3-Methylglutaconic Aciduria. Identifiers: Orphanet 67047, MedGen C0574084, MONDO:0009787, OMIM 258501.

Allele frequency attached by ClinVar (database versions not stated): gnomAD exomes 0.00009; gnomAD 0.00092; TOPMed 0.00143; 1000 Genomes Project 0.00280; 1000 Genomes Project 30x 0.00297.
gnomAD v4.1: 278 of 985,344 alleles (0.028%); highest among the groups gnomAD compares: African/African-American, 0.46%; no homozygotes.

Submissions (2):

Illumina Laboratory Services, Illumina
Classification: Benign for Optic atrophy 3. Last evaluated: 2018-01-13. Review status: criteria provided, single submitter. Criteria: ICSL Variant Classification Criteria 13 December 2019. Collection method: clinical testing. Allele origin: germline.
Comment: This variant was observed in the ICSL laboratory as part of a predisposition screen in an ostensibly healthy population. It had not been previously curated by ICSL or reported in the Human Gene Mutation Database (HGMD: prior to June 1st, 2018), and was therefore a candidate for classification through an automated scoring system. Utilizing variant allele frequency, disease prevalence and penetrance estimates, and inheritance mode, an automated score was calculated to assess if this variant is too frequent to cause the disease. Based on the score and internal cut-off values, a variant classified as benign is not then subjected to further curation. The score for this variant resulted in a classification of benign for this disease.

Illumina Laboratory Services, Illumina
Classification: Uncertain significance for 3-Methylglutaconic aciduria type 3. Last evaluated: 2018-01-13. Review status: criteria provided, single submitter. Criteria: ICSL Variant Classification Criteria 13 December 2019. Collection method: clinical testing. Allele origin: germline.